The following is an entry in ClinVar:

NM_133497.4(KCNV2):c.146G>A (p.Gly49Asp)

Gene: KCNV2 (potassium voltage-gated channel modifier subfamily V member 2; plus strand). Cytogenetic location: 9p24.2.
Variant type: single nucleotide variant.
Coding change: c.146G>A on transcript NM_133497.4 (MANE Select); coding-DNA position 146, G replaced by A.
Protein change: p.Gly49Asp; replaces glycine 49 with aspartic acid.
Molecular consequence: missense variant.
Genome position (GRCh38, 1-based): chr9:2,717,885, G>A. VCF-style: chr9-2717885-G-A. GRCh37 (hg19) VCF-style: chr9-2717885-G-A.
Other names: short protein forms G49D.
Identifiers: ClinVar variation 998902 (VCV000998902.9), dbSNP rs746448587, ClinGen allele CA4965332.
Genomic context (GRCh38, chr9:2,717,885, plus strand): 5'-GCATTTGCTCCCTGGGTGCCCGTTCCGGCTCCCAGGCCAGCATCCACGGCTGGACAGAGG[G>A]CAACTATAACTACTACATCGAGGAAGACGAAGACGGCGAGGAGGAGGACCAGTGGAAGGA-3'
Protein context (NP_598004.1, residues 39-59): SQASIHGWTE[Gly49Asp]NYNYYIEEDE

ClinVar aggregate classification (germline): Uncertain significance. Review status: criteria provided, multiple submitters, no conflicts (2 of 4 stars). 2 submissions from 2 submitters: Uncertain significance (2). Last evaluated 2023-11-27.

Allele frequency attached by ClinVar (database versions not stated): ExAC 0.00002; gnomAD 0.00006; TOPMed 0.00008.
gnomAD v4.1: 20 of 1,614,092 alleles (0.0012%); highest among the groups gnomAD compares: African/African-American, 0.013%; no homozygotes.

Submissions (2):

Blueprint Genetics
Classification: Uncertain significance. Last evaluated: 2023-11-27. Review status: criteria provided, single submitter. Criteria: ACMG Guidelines, 2015. Collection method: clinical testing. Allele origin: germline.

Labcorp Genetics (formerly Invitae), Labcorp
Classification: Uncertain significance. Last evaluated: 2020-07-02. Review status: criteria provided, single submitter. Criteria: Invitae Variant Classification Sherloc (09022015). Collection method: clinical testing. Allele origin: germline.
Comment: In summary, the available evidence is currently insufficient to determine the role of this variant in disease. Therefore, it has been classified as a Variant of Uncertain Significance. Algorithms developed to predict the effect of missense changes on protein structure and function are either unavailable or do not agree on the potential impact of this missense change (SIFT: "Deleterious"; PolyPhen-2: "Benign"; Align-GVGD: "Class C0"). This variant has not been reported in the literature in individuals with KCNV2-related conditions. This variant is present in population databases (rs746448587, ExAC 0.01%). This sequence change replaces glycine with aspartic acid at codon 49 of the KCNV2 protein (p.Gly49Asp). The glycine residue is moderately conserved and there is a moderate physicochemical difference between glycine and aspartic acid.